The following is an entry in ClinVar:

ClinVar aggregate classification (germline): Pathogenic (1 of 4 stars; one submission).

Conditions:
Alpha thalassemia-X-linked intellectual disability syndrome (ATRX). Also called: ALPHA-THALASSEMIA/MENTAL RETARDATION SYNDROME, X-LINKED; ATR, NONDELETION TYPE; ATR-X syndrome; Alpha thalassemia mental retardation syndrome, nondeletion type, X-linked; XLMR hypotonic face syndrome; X-linked alpha-thalassemia-mental retardation syndrome. Identifiers: Orphanet 847, MedGen C1845055, MONDO:0010519, OMIM 301040.

Submission:

Labcorp Genetics (formerly Invitae), Labcorp
Classification: Pathogenic for Alpha thalassemia-X-linked intellectual disability syndrome. Last evaluated: 2019-09-16. Review status: criteria provided, single submitter. Criteria: Invitae Variant Classification Sherloc (09022015). Collection method: clinical testing. Allele origin: germline.
Comment: For these reasons, this variant has been classified as Pathogenic. Loss-of-function variants in ATRX are known to be pathogenic (PMID: 18409179, 23681356). This variant has not been reported in the literature in individuals with ATRX-related conditions. This variant is not present in population databases (ExAC no frequency). This sequence change creates a premature translational stop signal (p.Lys1357*) in the ATRX gene. It is expected to result in an absent or disrupted protein product.

Literature cited by the submitters: PubMed 18409179; PubMed 23681356.

NM_000489.6(ATRX):c.4069A>T (p.Lys1357Ter)

Gene: ATRX (ATRX chromatin remodeler; minus strand). Cytogenetic location: Xq21.1.
Variant type: single nucleotide variant.
Coding change: c.4069A>T on transcript NM_000489.6 (MANE Select); coding-DNA position 4069, A replaced by T.
Protein change: p.Lys1357Ter; replaces lysine 1357 with a stop codon.
Molecular consequence: nonsense.
Genome position (GRCh38, 1-based): chrX:77,663,433, T>A on the plus strand (A>T on the coding strand, the complement: ATRX is on the minus strand). VCF-style: chrX-77663433-T-A. GRCh37 (hg19) VCF-style: chrX-76918922-T-A.
Other names: c.3955A>T, p.Lys1319Ter (NM_138270.5); short protein forms K1319*, K1357*.
Identifiers: ClinVar variation 961507 (VCV000961507.8), dbSNP rs2070037318, ClinGen allele CA413699510.